The following is an entry in ClinVar:

NM_001080517.3(SETD5):c.1161A>G (p.Ile387Met)

Gene: SETD5 (SET domain containing 5; plus strand). Cytogenetic location: 3p25.3.
Variant type: single nucleotide variant.
Coding change: c.1161A>G on transcript NM_001080517.3 (MANE Select); coding-DNA position 1161, A replaced by G.
Protein change: p.Ile387Met; replaces isoleucine 387 with methionine.
Molecular consequence: missense variant.
Genome position (GRCh38, 1-based): chr3:9,443,391, A>G. VCF-style: chr3-9443391-A-G. GRCh37 (hg19) VCF-style: chr3-9485075-A-G.
Other names: c.867A>G, p.Ile289Met (NM_001292043.2, NM_001349451.2); short protein forms I387M, I289M.
Identifiers: ClinVar variation 452142 (VCV000452142.3), dbSNP rs1553622478, ClinGen allele CA351690368.

ClinVar aggregate classification (germline): Likely pathogenic (1 of 4 stars; one submission).

Submission:

GeneDx
Classification: Likely pathogenic. Last evaluated: 2024-02-25. Review status: criteria provided, single submitter. Criteria: GeneDx Variant Classification Process June 2021. Collection method: clinical testing. Allele origin: germline. Affected: yes.
Comment: Not observed at significant frequency in large population cohorts (gnomAD); In silico analysis supports that this missense variant has a deleterious effect on protein structure/function; Has not been previously published as pathogenic or benign to our knowledge